The following is an entry in ClinVar:

ClinVar aggregate classification (germline): Pathogenic. Review status: reviewed by expert panel (3 of 4 stars). 2 submissions from 2 submitters: Pathogenic (1). 1 of the submissions does not count toward it. Last evaluated 2026-09-26.

Conditions:
Juvenile retinoschisis (RS1). Also called: X-Linked Juvenile Retinoschisis; X-linked retinoschisis. Identifiers: Orphanet 792, MedGen C3714753, MONDO:0010725, OMIM 312700.

Submissions (2):

ClinGen X-linked Inherited Retinal Disease Variant Curation Expert Panel, ClinGen
Classification: Pathogenic for Juvenile retinoschisis. Last evaluated: 2026-09-26. Review status: reviewed by expert panel. Criteria: ClinGen X LinkedIRD ACMG Specifications RS1 V1.0.0. Collection method: curation. Allele origin: germline. Inheritance: X-linked inheritance.
Comment: The NM_000330.4(RS1): c.489G>A variant is a nonsense variant in amino acid 163, which results in a premature stop codon and causes a truncated protein. This is a nonsense variant that introduces a premature stop codon between amino acids 1-223 that is predicted to either trigger nonsense-mediated decay or to disrupt a critical C-terminal region required for proper multimerization of RS1 (PVS1, PMID: 19849666). At least one proband harboring this variant exhibits a phenotype of the appearance of schisis and reduced visual acuity before age 13 years, which together are specific for X-linked retinoschisis (PMID: 32531858, PP4). This variant is absent from hemizygous individuals in gnomAD v4.1.0 (PM2_Supporting). In summary, this variant is classified as pathogenic for X-linked retinoschisis based on the ClinGen X-linked Inherited Retinal Disease Expert Panel Specifications to the ACMG/AMP Variant Interpretation Guidelines for RS1 Version 1.0.0: PM2_supporting, PVS1, and PP4.

Retina International
No classification provided. Review status: no classification provided. Collection method: not provided. Allele origin: unknown. Not counted in ClinVar's aggregate classification.

NM_000330.4(RS1):c.489G>A (p.Trp163Ter)

Genes: CDKL5 (cyclin dependent kinase like 5; plus strand), RS1 (retinoschisin 1; minus strand). Cytogenetic location: Xp22.13.
Variant type: single nucleotide variant.
Coding change: c.489G>A on transcript NM_000330.4 (MANE Select); coding-DNA position 489, G replaced by A.
Protein change: p.Trp163Ter; replaces tryptophan 163 with a stop codon.
Molecular consequence: nonsense. On other transcripts: intron variant (2).
Genome position (GRCh38, 1-based): chrX:18,644,463, C>T on the plus strand (G>A on the coding strand, the complement: RS1 is on the minus strand). VCF-style: chrX-18644463-C-T. GRCh37 (hg19) VCF-style: chrX-18662583-C-T.
Other names: NM_000330.4(RS1):c.489G>A; p.Trp163Ter; c.2714-1544C>T (NM_003159.3, NM_001037343.2); short protein forms W163*.
Identifiers: ClinVar variation 98970 (VCV000098970.4), dbSNP rs61753166, ClinGen allele CA226752.